The following is an entry in ClinVar:

NM_006059.4(LAMC3):c.2548T>C (p.Phe850Leu)

Gene: LAMC3 (laminin subunit gamma 3; plus strand). Cytogenetic location: 9q34.12.
Variant type: single nucleotide variant.
Coding change: c.2548T>C on transcript NM_006059.4 (MANE Select); coding-DNA position 2548, T replaced by C.
Protein change: p.Phe850Leu; replaces phenylalanine 850 with leucine.
Molecular consequence: missense variant.
Genome position (GRCh38, 1-based): chr9:131,067,160, T>C. VCF-style: chr9-131067160-T-C. GRCh37 (hg19) VCF-style: chr9-133942547-T-C.
Other names: short protein forms F850L.
Identifiers: ClinVar variation 1488505 (VCV001488505.8), dbSNP rs1829953015, ClinGen allele CA375253432.

ClinVar aggregate classification (germline): Uncertain significance (1 of 4 stars; one submission).

Allele frequency attached by ClinVar (database versions not stated): gnomAD exomes 0.00001.
gnomAD v4.1: 5 of 1,614,104 alleles (0.00031%); highest among the groups gnomAD compares: Non-Finnish European, 0.00042%; no homozygotes.

Submission:

Labcorp Genetics (formerly Invitae), Labcorp
Classification: Uncertain significance. Last evaluated: 2025-10-28. Review status: criteria provided, single submitter. Criteria: Invitae Variant Classification Sherloc (09022015). Collection method: clinical testing. Allele origin: germline.
Comment: This sequence change replaces phenylalanine, which is neutral and non-polar, with leucine, which is neutral and non-polar, at codon 850 of the LAMC3 protein (p.Phe850Leu). This variant is not present in population databases (gnomAD no frequency). This variant has not been reported in the literature in individuals affected with LAMC3-related conditions. ClinVar contains an entry for this variant (Variation ID: 1488505). An algorithm developed to predict the effect of missense changes on protein structure and function (PolyPhen-2) suggests that this variant is likely to be disruptive. In summary, the available evidence is currently insufficient to determine the role of this variant in disease. Therefore, it has been classified as a Variant of Uncertain Significance.